The following is an entry in ClinVar:

NM_006343.3(MERTK):c.2415G>C (p.Gln805His)

Gene: MERTK (MER proto-oncogene, tyrosine kinase; plus strand). Cytogenetic location: 2q13.
Variant type: single nucleotide variant.
Coding change: c.2415G>C on transcript NM_006343.3 (MANE Select); coding-DNA position 2415, G replaced by C.
Protein change: p.Gln805His; replaces glutamine 805 with histidine.
Molecular consequence: missense variant.
Genome position (GRCh38, 1-based): chr2:112,022,323, G>C. VCF-style: chr2-112022323-G-C. GRCh37 (hg19) VCF-style: chr2-112779900-G-C.
Other names: c.2415G>C (NM_006343.2); short protein forms Q805H.
Identifiers: ClinVar variation 1051259 (VCV001051259.11), dbSNP rs80350193, ClinGen allele CA1831827.

ClinVar aggregate classification (germline): Uncertain significance. Review status: criteria provided, multiple submitters, no conflicts (2 of 4 stars). 3 submissions from 3 submitters: Uncertain significance (3). Last evaluated 2023-06-21.

Conditions:
Inborn genetic diseases. Identifiers: MedGen C0950123, MeSH D030342.

Allele frequency attached by ClinVar (database versions not stated): gnomAD 0.00001 and 0.00002; gnomAD exomes 0.00001 and 0.00004; TOPMed 0.00001; ExAC 0.00002; ESP Exome Variant Server 0.00008; 1000 Genomes Project 30x 0.00016; 1000 Genomes Project 0.00020.
gnomAD v4.1: 59 of 1,614,220 alleles (0.0037%); highest among the groups gnomAD compares: Non-Finnish European, 0.005%; no homozygotes.

Submissions (3):

Ambry Genetics
Classification: Uncertain significance for Inborn genetic diseases. Last evaluated: 2023-06-21. Review status: criteria provided, single submitter. Criteria: Ambry Variant Classification Scheme 2023. Collection method: clinical testing. Allele origin: germline.

Labcorp Genetics (formerly Invitae), Labcorp
Classification: Uncertain significance. Last evaluated: 2020-01-20. Review status: criteria provided, single submitter. Criteria: Invitae Variant Classification Sherloc (09022015). Collection method: clinical testing. Allele origin: germline.
Comment: This sequence change replaces glutamine with histidine at codon 805 of the MERTK protein (p.Gln805His). The glutamine residue is highly conserved and there is a small physicochemical difference between glutamine and histidine. This variant is present in population databases (rs80350193, ExAC 0.003%). This variant has not been reported in the literature in individuals with MERTK-related conditions. Algorithms developed to predict the effect of missense changes on protein structure and function are either unavailable or do not agree on the potential impact of this missense change (SIFT: "Deleterious"; PolyPhen-2: "Probably Damaging"; Align-GVGD: "Class C15"). In summary, the available evidence is currently insufficient to determine the role of this variant in disease. Therefore, it has been classified as a Variant of Uncertain Significance.

Blueprint Genetics
Classification: Uncertain significance. Last evaluated: 2019-12-16. Review status: criteria provided, single submitter. Criteria: ACMG Guidelines, 2015. Collection method: clinical testing. Allele origin: germline.